The following is an entry in ClinVar:

ClinVar aggregate classification (germline): Uncertain significance (1 of 4 stars; one submission).

Conditions:
Hereditary cancer-predisposing syndrome. Also called: Hereditary neoplastic syndrome; Neoplastic Syndromes, Hereditary; Tumor predisposition; Hereditary Cancer Syndrome. Identifiers: Orphanet 140162, MedGen C0027672, MeSH D009386, MONDO:0015356.

Submission:

Ambry Genetics
Classification: Uncertain significance for Hereditary cancer-predisposing syndrome. Last evaluated: 2022-10-15. Review status: criteria provided, single submitter. Criteria: Ambry Variant Classification Scheme 2023. Collection method: clinical testing. Allele origin: germline.
Comment: The p.R2973W variant (also known as c.8917A>T), located in coding exon 61 of the ATM gene, results from an A to T substitution at nucleotide position 8917. The arginine at codon 2973 is replaced by tryptophan, an amino acid with dissimilar properties. This amino acid position is conserved. In addition, the in silico prediction for this alteration is inconclusive. Since supporting evidence is limited at this time, the clinical significance of this alteration remains unclear.

NM_000051.4(ATM):c.8917A>T (p.Arg2973Trp)

Genes: ATM (ATM serine/threonine kinase; plus strand), C11orf65 (chromosome 11 open reading frame 65; minus strand). Cytogenetic location: 11q22.3.
Variant type: single nucleotide variant.
Coding change: c.8917A>T on transcript NM_000051.4 (MANE Select); coding-DNA position 8917, A replaced by T.
Protein change: p.Arg2973Trp; replaces arginine 2973 with tryptophan.
Molecular consequence: missense variant. On other transcripts: intron variant (2).
Genome position (GRCh38, 1-based): chr11:108,365,148, A>T. VCF-style: chr11-108365148-A-T. GRCh37 (hg19) VCF-style: chr11-108235875-A-T.
Other names: c.8917A>T, p.Arg2973Trp (NM_001351834.2); c.640+20772T>A (NM_001330368.2); c.694+20772T>A (NM_001351110.2); short protein forms R2973W.
Identifiers: ClinVar variation 1765093 (VCV001765093.2), dbSNP rs1555151352, ClinGen allele CA382529928.
Genomic context (GRCh38, chr11:108,365,148, plus strand): 5'-CTATATGATCCACTCTTTGACTGGACCATGAATCCTTTGAAAGCTTTGTATTTACAGCAG[A>T]GGCCGGAAGATGAAACTGAGCTTCACCCTACTCTGAATGCAGATGACCAAGAATGCAAAC-3'
Protein context (NP_000042.3, residues 2963-2983): NPLKALYLQQ[Arg2973Trp]PEDETELHPT